The following is an entry in ClinVar:

ClinVar aggregate classification (germline): Conflicting classifications of pathogenicity. Review status: criteria provided, conflicting classifications (1 of 4 stars). 8 submissions from 6 submitters: Uncertain significance (3); Likely benign (4). 1 of the submissions does not count toward it. Last evaluated 2025-05-03.

Conditions:
Retinal dystrophy. Also called: Inherited retinal dystrophy. Identifiers: Orphanet 71862, MedGen C0854723, MeSH D058499, MONDO:0019118, HP:0000556.
Leber congenital amaurosis (LCA). Also called: Leber's amaurosis. Identifiers: Orphanet 65, MedGen C0339527, MeSH D057130, MONDO:0018998.
Retinitis pigmentosa (RP). Identifiers: Orphanet 791, MedGen C0035334, MeSH D012174, MONDO:0019200, OMIM 268000. Inheritance: Autosomal dominant, autosomal recessive and X linked inheritance.
CRB1-related disorder. Also called: CRB1-related condition; CRB1-related disorders.
Leber congenital amaurosis 8 (LCA8). Identifiers: Orphanet 65, MedGen C3151202, MONDO:0013453, OMIM 613835.
Retinitis pigmentosa 12 (RP12). Also called: RP WITH OR WITHOUT PPRPE; RP WITH OR WITHOUT PRESERVED PARAARTERIOLE RETINAL PIGMENT EPITHELIUM; RETINITIS PIGMENTOSA WITH OR WITHOUT PARAARTERIOLAR PRESERVATION OF RETINAL PIGMENT EPITHELIUM. Identifiers: Orphanet 791, MedGen C1838647, MONDO:0010818, OMIM 600105.
Pigmented paravenous retinochoroidal atrophy. Identifiers: Orphanet 251295, MedGen C1868310, MONDO:0008246, OMIM 172870.

Allele frequency attached by ClinVar (database versions not stated): ExAC 0.00002; gnomAD 0.00002; gnomAD exomes 0.00002 and 0.00003; TOPMed 0.00003; ESP Exome Variant Server 0.00008.
gnomAD v4.1: 48 of 1,613,774 alleles (0.003%); highest among the groups gnomAD compares: Admixed American, 0.005%; no homozygotes.

Submissions (8):

Labcorp Genetics (formerly Invitae), Labcorp
Classification: Likely benign for Leber congenital amaurosis 8; Retinitis pigmentosa 12. Last evaluated: 2025-05-03. Review status: criteria provided, single submitter. Criteria: Invitae Variant Classification Sherloc (09022015). Collection method: clinical testing. Allele origin: germline.

PreventionGenetics, part of Exact Sciences
Classification: Likely benign for CRB1-related condition. Last evaluated: 2025-03-31. Review status: criteria provided, single submitter. Criteria: ACMG Guidelines, 2015. Collection method: clinical testing. Allele origin: germline.
Comment: This variant is classified as likely benign based on ACMG/AMP sequence variant interpretation guidelines (Richards et al. 2015 PMID: 25741868, with internal and published modifications).

Dept Of Ophthalmology, Nagoya University
Classification: Uncertain significance for Retinal dystrophy. Last evaluated: 2023-10-01. Review status: criteria provided, single submitter. Criteria: Submitter's publication. Collection method: research. Allele origin: germline. Affected: yes.

Blueprint Genetics
Classification: Likely benign. Last evaluated: 2022-01-24. Review status: criteria provided, single submitter. Criteria: ACMG Guidelines, 2015. Collection method: clinical testing. Allele origin: germline.

Illumina Laboratory Services, Illumina
Classification: Uncertain significance for Leber congenital amaurosis 8. Last evaluated: 2018-01-13. Review status: criteria provided, single submitter. Criteria: ICSL Variant Classification Criteria 13 December 2019. Collection method: clinical testing. Allele origin: germline.

Illumina Laboratory Services, Illumina
Classification: Uncertain significance for Retinitis pigmentosa. Last evaluated: 2018-01-13. Review status: criteria provided, single submitter. Criteria: ICSL Variant Classification Criteria 13 December 2019. Collection method: clinical testing. Allele origin: germline.

Illumina Laboratory Services, Illumina
Classification: Likely benign for Pigmented paravenous retinochoroidal atrophy. Last evaluated: 2018-01-13. Review status: criteria provided, single submitter. Criteria: ICSL Variant Classification Criteria 13 December 2019. Collection method: clinical testing. Allele origin: germline.
Comment: This variant was observed in the ICSL laboratory as part of a predisposition screen in an ostensibly healthy population. It had not been previously curated by ICSL or reported in the Human Gene Mutation Database (HGMD: prior to June 1st, 2018), and was therefore a candidate for classification through an automated scoring system. Utilizing variant allele frequency, disease prevalence and penetrance estimates, and inheritance mode, an automated score was calculated to assess if this variant is too frequent to cause the disease. Based on the score and internal cut-off values, a variant classified as likely benign is not then subjected to further curation. The score for this variant resulted in a classification of likely benign for this disease.

Natera, Inc.
Classification: Uncertain significance for Leber congenital amaurosis. Last evaluated: 2020-11-07. Review status: no assertion criteria provided. Collection method: clinical testing. Allele origin: germline. Not counted in ClinVar's aggregate classification.

NM_201253.3(CRB1):c.867G>A (p.Thr289=)

Gene: CRB1 (crumbs cell polarity complex component 1; plus strand). Cytogenetic location: 1q31.3.
Variant type: single nucleotide variant.
Coding change: c.867G>A on transcript NM_201253.3 (MANE Select); coding-DNA position 867, G replaced by A.
Protein change: p.Thr289=; no amino-acid change (threonine 289 retained).
Molecular consequence: synonymous variant. On other transcripts: non-coding transcript variant (2), intron variant (1).
Genome position (GRCh38, 1-based): chr1:197,347,358, G>A. VCF-style: chr1-197347358-G-A. GRCh37 (hg19) VCF-style: chr1-197316488-G-A.
Other names: c.660G>A, p.Thr220= (NM_001257965.2); c.867G>A, p.Thr289= (NM_001257966.2); c.653-9473G>A (NM_001193640.2).
Identifiers: ClinVar variation 876210 (VCV000876210.13), dbSNP rs147244321, ClinGen allele CA1311749.
Genomic context (GRCh38, chr1:197,347,358, plus strand): 5'-ATATGACTAAGAGTTGACATGAAAATTTCATTTACTTTCCAGATATAGCTGTAACTGCAC[G>A]GGTAGTGGATTCACAGGGACACACTGTGAGACCTTGATGCCTCTTTGTTGGTCAAAACCT-3'
Protein context (NP_957705.1, residues 279-299): DGENRYSCNC[Thr289=]GSGFTGTHCE